The following is an entry in ClinVar:

ClinVar aggregate classification (germline): Uncertain significance (1 of 4 stars; one submission).

Submission:

GeneDx
Classification: Uncertain significance. Last evaluated: 2025-07-02. Review status: criteria provided, single submitter. Criteria: GeneDx Variant Classification Process June 2021. Collection method: clinical testing. Allele origin: germline. Affected: yes.
Comment: Not observed at significant frequency in large population cohorts (gnomAD); In silico analysis suggests that this missense variant does not alter protein structure/function; Has not been previously published as pathogenic or benign to our knowledge

NM_020719.3(PRR12):c.1298C>G (p.Ser433Cys)

Gene: PRR12 (proline rich 12; plus strand). Cytogenetic location: 19q13.33.
Variant type: single nucleotide variant.
Coding change: c.1298C>G on transcript NM_020719.3 (MANE Select); coding-DNA position 1298, C replaced by G.
Protein change: p.Ser433Cys; replaces serine 433 with cysteine.
Molecular consequence: missense variant.
Genome position (GRCh38, 1-based): chr19:49,595,633, C>G. VCF-style: chr19-49595633-C-G. GRCh37 (hg19) VCF-style: chr19-50098890-C-G.
Other names: short protein forms S433C.
Identifiers: ClinVar variation 4681135 (VCV004681135.1).